The following is an entry in ClinVar:

NM_015331.3(NCSTN):c.778C>A (p.Leu260Ile)

Gene: NCSTN (nicastrin; plus strand). Cytogenetic location: 1q23.2.
Variant type: single nucleotide variant.
Coding change: c.778C>A on transcript NM_015331.3 (MANE Select); coding-DNA position 778, C replaced by A.
Protein change: p.Leu260Ile; replaces leucine 260 with isoleucine.
Molecular consequence: missense variant. On other transcripts: intron variant (1).
Genome position (GRCh38, 1-based): chr1:160,351,740, C>A. VCF-style: chr1-160351740-C-A. GRCh37 (hg19) VCF-style: chr1-160321530-C-A.
Other names: c.718C>A, p.Leu240Ile (NM_001290184.2); c.778C>A, p.Leu260Ile (NM_001349729.2); c.583-1147C>A (NM_001290186.2); short protein forms L260I, L240I.
Identifiers: ClinVar variation 3002254 (VCV003002254.3), dbSNP rs750378021, ClinGen allele CA1198815.
Genomic context (GRCh38, chr1:160,351,740, plus strand): 5'-TTTGTGTCCTGCTTAGAAATCGTCTGTGACCCCCTGTCTGATTACAATGTGTGGAGCATG[C>A]TAAAGCCTATAAATACAACTGGGACATTAAAGCCTGACGACAGGGTTGTGGTTGCTGCCA-3'
Protein context (NP_056146.1, residues 250-270): PLSDYNVWSM[Leu260Ile]KPINTTGTLK

ClinVar aggregate classification (germline): Uncertain significance (1 of 4 stars; one submission).

Allele frequency attached by ClinVar (database versions not stated): gnomAD exomes below 0.00001; TOPMed below 0.00001; ExAC 0.00001; gnomAD 0.00001.
gnomAD v4.1: 3 of 1,613,248 alleles (0.00019%); highest among the groups gnomAD compares: Admixed American, 0.005%; no homozygotes.

Submission:

Labcorp Genetics (formerly Invitae), Labcorp
Classification: Uncertain significance. Last evaluated: 2023-05-28. Review status: criteria provided, single submitter. Criteria: Invitae Variant Classification Sherloc (09022015). Collection method: clinical testing. Allele origin: germline.
Comment: In summary, the available evidence is currently insufficient to determine the role of this variant in disease. Therefore, it has been classified as a Variant of Uncertain Significance. This sequence change replaces leucine, which is neutral and non-polar, with isoleucine, which is neutral and non-polar, at codon 260 of the NCSTN protein (p.Leu260Ile). This variant is present in population databases (rs750378021, gnomAD 0.006%). This variant has not been reported in the literature in individuals affected with NCSTN-related conditions. Advanced modeling of protein sequence and biophysical properties (such as structural, functional, and spatial information, amino acid conservation, physicochemical variation, residue mobility, and thermodynamic stability) performed at Invitae indicates that this missense variant is not expected to disrupt NCSTN protein function.